The following is an entry in ClinVar:

ClinVar aggregate classification (germline): Uncertain significance (1 of 4 stars; one submission).

Conditions:
Muscular dystrophy-dystroglycanopathy type B6 (MDDGB6). Also called: MUSCULAR DYSTROPHY, CONGENITAL, LARGE-RELATED; MUSCULAR DYSTROPHY, CONGENITAL, TYPE 1D; MUSCULAR DYSTROPHY-DYSTROGLYCANOPATHY (CONGENITAL WITH IMPAIRED INTELLECTUAL DEVELOPMENT), TYPE B, 6. Identifiers: MedGen C1837229, MONDO:0012138, OMIM 608840.

Submission:

Labcorp Genetics (formerly Invitae), Labcorp
Classification: Uncertain significance for Muscular dystrophy-dystroglycanopathy type B6. Last evaluated: 2024-01-06. Review status: criteria provided, single submitter. Criteria: Invitae Variant Classification Sherloc (09022015). Collection method: clinical testing. Allele origin: germline.
Comment: This sequence change replaces asparagine, which is neutral and polar, with threonine, which is neutral and polar, at codon 399 of the LARGE1 protein (p.Asn399Thr). This variant is not present in population databases (gnomAD no frequency). This variant has not been reported in the literature in individuals affected with LARGE1-related conditions. Advanced modeling of protein sequence and biophysical properties (such as structural, functional, and spatial information, amino acid conservation, physicochemical variation, residue mobility, and thermodynamic stability) performed at Invitae indicates that this missense variant is not expected to disrupt LARGE1 protein function with a negative predictive value of 80%. In summary, the available evidence is currently insufficient to determine the role of this variant in disease. Therefore, it has been classified as a Variant of Uncertain Significance.

NM_133642.5(LARGE1):c.1196A>C (p.Asn399Thr)

Gene: LARGE1 (LARGE xylosyl- and glucuronyltransferase 1; minus strand). Cytogenetic location: 22q12.3.
Variant type: single nucleotide variant.
Coding change: c.1196A>C on transcript NM_133642.5 (MANE Select); coding-DNA position 1196, A replaced by C.
Protein change: p.Asn399Thr; replaces asparagine 399 with threonine.
Molecular consequence: missense variant. On other transcripts: intron variant (2).
Genome position (GRCh38, 1-based): chr22:33,337,737, T>G on the plus strand (A>C on the coding strand, the complement: LARGE1 is on the minus strand). VCF-style: chr22-33337737-T-G. GRCh37 (hg19) VCF-style: chr22-33733723-T-G.
Other names: c.1196A>C, p.Asn399Thr (NM_001362953.2, NM_001378624.1, NM_001378625.1 and 6 more transcripts); c.593A>C, p.Asn198Thr (NM_001378630.1); c.1132-21489A>C (NM_001378629.1); c.529-21489A>C (NM_001378631.1); short protein forms N198T, N399T.
Identifiers: ClinVar variation 2707996 (VCV002707996.3), dbSNP rs2546765977, ClinGen allele CA411543763.